The following is an entry in ClinVar:

NM_000038.6(APC):c.4015G>C (p.Gly1339Arg)

Gene: APC (APC regulator of Wnt signaling pathway; plus strand). Cytogenetic location: 5q22.2.
Variant type: single nucleotide variant.
Coding change: c.4015G>C on transcript NM_000038.6 (MANE Select); coding-DNA position 4015, G replaced by C.
Protein change: p.Gly1339Arg; replaces glycine 1339 with arginine.
Molecular consequence: missense variant.
Genome position (GRCh38, 1-based): chr5:112,839,609, G>C. VCF-style: chr5-112839609-G-C. GRCh37 (hg19) VCF-style: chr5-112175306-G-C.
Other names: c.4015G>C, p.Gly1339Arg (NM_001127510.3, NM_001354895.2); c.3961G>C, p.Gly1321Arg (NM_001127511.3); c.4069G>C, p.Gly1357Arg (NM_001354896.2); c.4045G>C, p.Gly1349Arg (NM_001354897.2); c.3940G>C, p.Gly1314Arg (NM_001354898.2); c.3931G>C, p.Gly1311Arg (NM_001354899.2); c.3892G>C, p.Gly1298Arg (NM_001354900.2); c.3838G>C, p.Gly1280Arg (NM_001354901.2); and 5 more; short protein forms G1321R, G1339R, G1056R, G1311R, G1314R, G1349R, G1238R, G1248R.
Identifiers: ClinVar variation 233611 (VCV000233611.29), dbSNP rs876658310, ClinGen allele CA10578364.
Genomic context (GRCh38, chr5:112,839,609, plus strand): 5'-CCTGTGAGCGAAGTTCCAGCAGTGTCACAGCACCCTAGAACCAAATCCAGCAGACTGCAG[G>C]GTTCTAGTTTATCTTCAGAATCAGCCAGGCACAAAGCTGTTGAATTTTCTTCAGGAGCGA-3'
Protein context (NP_000029.2, residues 1329-1349): HPRTKSSRLQ[Gly1339Arg]SSLSSESARH

ClinVar aggregate classification (germline): Uncertain significance. Review status: criteria provided, multiple submitters, no conflicts (2 of 4 stars). 10 submissions from 10 submitters: Uncertain significance (10). Last evaluated 2026-09-01.

Conditions:
Classic or attenuated familial adenomatous polyposis. Identifiers: MedGen CN372698, MONDO:0021057.
APC-related disorder. Also called: APC-related condition.
Hereditary cancer-predisposing syndrome. Also called: Hereditary neoplastic syndrome; Hereditary Cancer Syndrome; Neoplastic Syndromes, Hereditary; Tumor predisposition. Identifiers: Orphanet 140162, MedGen C0027672, MeSH D009386, MONDO:0015356.
Familial adenomatous polyposis 1 (FAP1). Also called: FAMILIAL ADENOMATOUS POLYPOSIS 1, ATTENUATED; POLYPOSIS, ADENOMATOUS INTESTINAL. Identifiers: MedGen C2713442, MONDO:0021056, OMIM 175100. Disease mechanism: loss of function.

gnomAD v4.1: 5 of 1,614,132 alleles (0.00031%); highest among the groups gnomAD compares: Non-Finnish European, 0.00042%; no homozygotes.

Submissions (10):

CeGaT Center for Human Genetics Tuebingen
Classification: Uncertain significance. Last evaluated: 2026-09-01. Review status: criteria provided, single submitter. Criteria: CeGaT Center For Human Genetics Tuebingen Variant Classification Criteria Version 2. Collection method: clinical testing. Allele origin: germline. Affected: yes. Observed: 1 variant allele.
Comment: APC: PM2:Supporting, BP4

PreventionGenetics, part of Exact Sciences
Classification: Uncertain significance for APC-related condition. Last evaluated: 2025-11-07. Review status: criteria provided, single submitter. Criteria: ACMG Guidelines, 2015. Collection method: clinical testing. Allele origin: germline.
Comment: The APC c.4015G>C variant is predicted to result in the amino acid substitution p.Gly1339Arg. To our knowledge, this variant has not been reported in the literature or in a large population database (gnomAD), indicating this variant is rare. This variant has an interpretation of uncertain significance in ClinVar (Variation ID: 233611). At this time, the clinical significance of this variant is uncertain due to the absence of conclusive functional and genetic evidence.

Labcorp Genetics (formerly Invitae), Labcorp
Classification: Uncertain significance for Familial adenomatous polyposis 1. Last evaluated: 2025-10-13. Review status: criteria provided, single submitter. Criteria: Invitae Variant Classification Sherloc (09022015). Collection method: clinical testing. Allele origin: germline.
Comment: This sequence change replaces glycine, which is neutral and non-polar, with arginine, which is basic and polar, at codon 1339 of the APC protein (p.Gly1339Arg). This variant is not present in population databases (gnomAD no frequency). This variant has not been reported in the literature in individuals affected with APC-related conditions. ClinVar contains an entry for this variant (Variation ID: 233611). Invitae Evidence Modeling of protein sequence and biophysical properties (such as structural, functional, and spatial information, amino acid conservation, physicochemical variation, residue mobility, and thermodynamic stability) indicates that this missense variant is not expected to disrupt APC protein function with a negative predictive value of 95%. In summary, the available evidence is currently insufficient to determine the role of this variant in disease. Therefore, it has been classified as a Variant of Uncertain Significance.

Ambry Genetics
Classification: Uncertain significance for Hereditary cancer-predisposing syndrome. Last evaluated: 2025-08-21. Review status: criteria provided, single submitter. Criteria: Ambry Variant Classification Scheme 2023. Collection method: clinical testing. Allele origin: germline.
Comment: The p.G1339R variant (also known as c.4015G>C), located in coding exon 15 of the APC gene, results from a G to C substitution at nucleotide position 4015. The glycine at codon 1339 is replaced by arginine, an amino acid with dissimilar properties. Missense alterations in APC are not a common cause of disease (Spier I et al. Genet Med. 2024 Feb;26(2):100992). This amino acid position is poorly conserved in available vertebrate species. In addition, in silico predictors for this gene do not accurately predict pathogenicity. Based on the available evidence, the clinical significance of this variant remains unclear.

Quest Diagnostics Nichols Institute San Juan Capistrano
Classification: Uncertain significance. Last evaluated: 2024-10-27. Review status: criteria provided, single submitter. Criteria: Quest Diagnostics criteria. Collection method: clinical testing. Allele origin: unknown.
Comment: The APC c.4015G>C (p.Gly1339Arg) variant has not been reported in individuals with APC-related conditions in the published literature. It also has not been reported in large, multi-ethnic general populations (Genome Aggregation Database). Analysis of this variant using bioinformatics tools for the prediction of the effect of amino acid changes on protein structure and function yielded predictions that this variant is benign. Based on the available information, we are unable to determine the clinical significance of this variant.

Color Diagnostics, LLC DBA Color Health
Classification: Uncertain significance for Hereditary cancer-predisposing syndrome. Last evaluated: 2024-03-06. Review status: criteria provided, single submitter. Criteria: ACMG Guidelines, 2015. Collection method: clinical testing. Allele origin: germline.
Comment: This missense variant replaces glycine with arginine at codon 1339 of the APC protein. Computational prediction suggests that this variant may not impact protein structure and function (internally defined REVEL score threshold <= 0.5, PMID: 27666373). To our knowledge, functional studies have not been reported for this variant. This variant has not been reported in individuals affected with APC-related disorders in the literature. This variant has not been identified in the general population by the Genome Aggregation Database (gnomAD). The available evidence is insufficient to determine the role of this variant in disease conclusively. Therefore, this variant is classified as a Variant of Uncertain Significance.

All of Us Research Program, National Institutes of Health
Classification: Uncertain significance for Classic or attenuated familial adenomatous polyposis. Last evaluated: 2024-02-05. Review status: criteria provided, single submitter. Criteria: ACMG Guidelines, 2015. Collection method: clinical testing. Allele origin: germline. Inheritance: Autosomal dominant inheritance. Observed: 2 variant alleles, 2 heterozygotes.
Comment: This missense variant replaces glycine with arginine at codon 1339 of the APC protein. Computational prediction suggests that this variant may not impact protein structure and function (internally defined REVEL score threshold <= 0.5, PMID: 27666373). To our knowledge, functional studies have not been reported for this variant. This variant has not been reported in individuals affected with APC-related disorders in the literature. This variant has not been identified in the general population by the Genome Aggregation Database (gnomAD). The available evidence is insufficient to determine the role of this variant in disease conclusively. Therefore, this variant is classified as a Variant of Uncertain Significance.

This study involves interpretation of variants in research participants for the purpose of population health screening. Participant phenotype was not available at the time of variant classification. Additional details can be found in publication PMID: 35346344, PMCID: PMC8962531

Baylor Genetics
Classification: Uncertain significance for Familial adenomatous polyposis 1. Last evaluated: 2023-10-05. Review status: criteria provided, single submitter. Criteria: ACMG Guidelines, 2015. Collection method: clinical testing. Allele origin: unknown.

Department of Pathology and Laboratory Medicine, Sinai Health System
Classification: Uncertain significance for classic or attenuated familial adenomatous polyposis. Last evaluated: 2020-02-12. Review status: criteria provided, single submitter. Criteria: ACMG Guidelines, 2015. Collection method: clinical testing. Allele origin: germline. Affected: no.

GeneDx
Classification: Uncertain significance. Last evaluated: 2018-11-23. Review status: criteria provided, single submitter. Criteria: GeneDx Variant Classification (06012015). Collection method: clinical testing. Allele origin: germline. Affected: yes.
Comment: This variant is denoted APC c.4015G>C at the cDNA level, p.Gly1339Arg (G1339R) at the protein level, and results in the change of a Glycine to an Arginine (GGT>CGT). This variant has not, to our knowledge, been published in the literature as a pathogenic or benign germline variant. APC Gly1339Arg was not observed in large population cohorts (Lek 2016). This variant is located in beta-catenin down-regulating domain (Azzopardi 2008). In silico analysis, which includes protein predictors and evolutionary conservation, supports that this variant does not alter protein structure/function. Based on currently available evidence, it is unclear whether APC Gly1339Arg is a pathogenic or benign variant. We consider it to be a variant of uncertain significance.